The following is an entry in ClinVar:

ClinVar aggregate classification (germline): Uncertain significance (1 of 4 stars; one submission).

Conditions:
Ataxia-telangiectasia syndrome (AT). Also called: Ataxia-telangiectasia, complementation group E; Ataxia telangiectasia (A-T); LOUIS-BAR SYNDROME; ATAXIA-TELANGIECTASIA, FRESNO VARIANT; AT, COMPLEMENTATION GROUP C; Ataxia-telangiectasia. Identifiers: Orphanet 100, MedGen C0004135, MONDO:0008840, OMIM 208900.

Allele frequency attached by ClinVar (database versions not stated): gnomAD exomes below 0.00001.
gnomAD v4.1: 1 of 1,613,856 alleles (0.000062%); highest among the groups gnomAD compares: Non-Finnish European, 0.000085%; no homozygotes.

Submission:

Labcorp Genetics (formerly Invitae), Labcorp
Classification: Uncertain significance for Ataxia-telangiectasia syndrome. Last evaluated: 2019-07-02. Review status: criteria provided, single submitter. Criteria: Invitae Variant Classification Sherloc (09022015). Collection method: clinical testing. Allele origin: germline.
Comment: In summary, the available evidence is currently insufficient to determine the role of this variant in disease. Therefore, it has been classified as a Variant of Uncertain Significance. Algorithms developed to predict the effect of missense changes on protein structure and function are either unavailable or do not agree on the potential impact of this missense change (SIFT: "Tolerated"; PolyPhen-2: "Probably Damaging"; Align-GVGD: "Class C0"). This variant has not been reported in the literature in individuals with ATM-related conditions. This variant is not present in population databases (ExAC no frequency). This sequence change replaces cysteine with arginine at codon 541 of the ATM protein (p.Cys541Arg). The cysteine residue is moderately conserved and there is a large physicochemical difference between cysteine and arginine.

NM_000051.4(ATM):c.1621T>C (p.Cys541Arg)

Gene: ATM (ATM serine/threonine kinase; plus strand). Cytogenetic location: 11q22.3.
Variant type: single nucleotide variant.
Coding change: c.1621T>C on transcript NM_000051.4 (MANE Select); coding-DNA position 1621, T replaced by C.
Protein change: p.Cys541Arg; replaces cysteine 541 with arginine.
Molecular consequence: missense variant.
Genome position (GRCh38, 1-based): chr11:108,251,850, T>C. VCF-style: chr11-108251850-T-C. GRCh37 (hg19) VCF-style: chr11-108122577-T-C.
Other names: c.1621T>C, p.Cys541Arg (NM_001351834.2); short protein forms C541R.
Identifiers: ClinVar variation 945658 (VCV000945658.9), dbSNP rs2080164132, ClinGen allele CA382534495.
Genomic context (GRCh38, chr11:108,251,850, plus strand): 5'-CCCCTCCAATAGCTTGCTTTTCACAATTGTCCTTTGTTTTGTTATAGTCCTGCAGTATGC[T>C]GTTTGACTTTGGCACTGACCACCAGTATAGTTCCAGGAACGGTAAAAATGGGAATAGAGC-3'
Protein context (NP_000042.3, residues 531-551): ACRPSCPAVC[Cys541Arg]LTLALTTSIV